The following is an entry in ClinVar:

NM_024301.5(FKRP):c.959G>A (p.Arg320His)

Gene: FKRP (fukutin related protein; plus strand). Cytogenetic location: 19q13.32.
Variant type: single nucleotide variant.
Coding change: c.959G>A on transcript NM_024301.5 (MANE Select); coding-DNA position 959, G replaced by A.
Protein change: p.Arg320His; replaces arginine 320 with histidine.
Molecular consequence: missense variant.
Genome position (GRCh38, 1-based): chr19:46,756,409, G>A. VCF-style: chr19-46756409-G-A. GRCh37 (hg19) VCF-style: chr19-47259666-G-A.
Other names: c.959G>A (NM_024301.4); c.959G>A, p.Arg320His (NM_001039885.3); short protein forms R320H.
Identifiers: ClinVar variation 1484362 (VCV001484362.8), dbSNP rs1465811690, ClinGen allele CA406496363.
Genomic context (GRCh38, chr19:46,756,409, plus strand): 5'-TGGTGGGCGACACGCCCGCCTACCTCTACGAGGAGCGCTGGACGCCCCCCTGCTGCCTGC[G>A]CGCGCTGCGCGAGACCGCCCGCTATGTGGTGGGCGTGCTGGAGGCTGCGGGCGTGCGCTA-3'
Protein context (NP_077277.1, residues 310-330): EERWTPPCCL[Arg320His]ALRETARYVV

ClinVar aggregate classification (germline): Uncertain significance. Review status: criteria provided, multiple submitters, no conflicts (2 of 4 stars). 3 submissions from 3 submitters: Uncertain significance (3). Last evaluated 2025-02-13.

Conditions:
Cardiovascular phenotype. Identifiers: MedGen CN230736.
Walker-Warburg congenital muscular dystrophy. Also called: Muscular dystrophy-dystroglycanopathy, type A; Walker-Warburg syndrome. Identifiers: Orphanet 899, MedGen C0265221, MONDO:0000171.
Muscular dystrophy-dystroglycanopathy (congenital with brain and eye anomalies), type A1 (MDDGA1). Also called: COD-MD SYNDROME; WALKER-WARBURG SYNDROME OR MUSCLE-EYE-BRAIN DISEASE, POMT1-RELATED; Muscular dystrophy-dystroglycanopathy (congenital with brain and eye anomalies), type A, 1; Hydrocephalus, agyria and retinal dysplasia; Hard +/- E syndrome; Warburg syndrome. Identifiers: Orphanet 588, Orphanet 899, MedGen C4284790, MONDO:0009364, OMIM 236670.
Autosomal recessive limb-girdle muscular dystrophy type 2I. Also called: MUSCULAR DYSTROPHY-DYSTROGLYCANOPATHY, LIMB-GIRDLE, FRKP-RELATED; MUSCULAR DYSTROPHY-DYSTROGLYCANOPATHY (LIMB-GIRDLE), TYPE C, 5; MUSCULAR DYSTROPHY, LIMB-GIRDLE, TYPE 2I. Identifiers: Orphanet 34515, MedGen C1846672, MONDO:0011787, OMIM 607155.
Muscular dystrophy-dystroglycanopathy type B5 (MDDGB5). Also called: MUSCULAR DYSTROPHY-DYSTROGLYCANOPATHY (CONGENITAL WITH OR WITHOUT IMPAIRED INTELLECTUAL DEVELOPMENT), TYPE B, 5; MUSCULAR DYSTROPHY, CONGENITAL, 1C; MUSCULAR DYSTROPHY, CONGENITAL, FKRP-RELATED. Identifiers: MedGen C1847759, MONDO:0011688, OMIM 606612.
Muscular dystrophy-dystroglycanopathy (congenital with brain and eye anomalies), type A5. Also called: MUSCULAR DYSTROPHY-DYSTROGLYCANOPATHY (CONGENITAL WITH BRAIN AND EYE ANOMALIES), TYPE A, 5; WALKER-WARBURG SYNDROME OR MUSCLE-EYE-BRAIN DISEASE, FKRP-RELATED. Identifiers: Orphanet 588, Orphanet 899, MedGen C3150413, MONDO:0013157, OMIM 613153.

Allele frequency attached by ClinVar (database versions not stated): TOPMed below 0.00001; gnomAD 0.00001.

Submissions (3):

Labcorp Genetics (formerly Invitae), Labcorp
Classification: Uncertain significance for Walker-Warburg congenital muscular dystrophy. Last evaluated: 2025-02-13. Review status: criteria provided, single submitter. Criteria: Invitae Variant Classification Sherloc (09022015). Collection method: clinical testing. Allele origin: germline.
Comment: This sequence change replaces arginine, which is basic and polar, with histidine, which is basic and polar, at codon 320 of the FKRP protein (p.Arg320His). This variant is present in population databases (no rsID available, gnomAD 0.01%). This variant has not been reported in the literature in individuals affected with FKRP-related conditions. ClinVar contains an entry for this variant (Variation ID: 1484362). Invitae Evidence Modeling of protein sequence and biophysical properties (such as structural, functional, and spatial information, amino acid conservation, physicochemical variation, residue mobility, and thermodynamic stability) has been performed for this missense variant. However, the output from this modeling did not meet the statistical confidence thresholds required to predict the impact of this variant on FKRP protein function. In summary, the available evidence is currently insufficient to determine the role of this variant in disease. Therefore, it has been classified as a Variant of Uncertain Significance.

Ambry Genetics
Classification: Uncertain significance for Cardiovascular phenotype. Last evaluated: 2024-07-04. Review status: criteria provided, single submitter. Criteria: Ambry Variant Classification Scheme 2023. Collection method: clinical testing. Allele origin: germline.
Comment: The p.R320H variant (also known as c.959G>A), located in coding exon 1 of the FKRP gene, results from a G to A substitution at nucleotide position 959. The arginine at codon 320 is replaced by histidine, an amino acid with highly similar properties. This amino acid position is conserved. In addition, the in silico prediction for this alteration is inconclusive. Based on the available evidence, the clinical significance of this variant remains unclear.

Fulgent Genetics
Classification: Uncertain significance for Muscular dystrophy-dystroglycanopathy (congenital with brain and eye anomalies), type A1; Muscular dystrophy-dystroglycanopathy type B5; Autosomal recessive limb-girdle muscular dystrophy type 2I; Muscular dystrophy-dystroglycanopathy (congenital with brain and eye anomalies), type A5. Last evaluated: 2022-02-09. Review status: criteria provided, single submitter. Criteria: ACMG Guidelines, 2015. Collection method: clinical testing. Allele origin: unknown.